The following is an entry in ClinVar:

NM_001861.6(COX4I1):c.504G>A (p.Lys168=)

Gene: COX4I1 (cytochrome c oxidase subunit 4I1; plus strand). Cytogenetic location: 16q24.1.
Variant type: single nucleotide variant.
Coding change: c.504G>A on transcript NM_001861.6 (MANE Select); coding-DNA position 504, G replaced by A.
Protein change: p.Lys168=; no amino-acid change (lysine 168 retained).
Molecular consequence: synonymous variant. On other transcripts: 3 prime UTR variant (2), missense variant (1).
Genome position (GRCh38, 1-based): chr16:85,806,868, G>A. VCF-style: chr16-85806868-G-A. GRCh37 (hg19) VCF-style: chr16-85840474-G-A.
Other names: c.504G>A, p.Lys168= (NM_001318786.3); c.*59G>A (NM_001318788.2); c.*366G>A (NM_001318794.2); c.390G>A, p.Lys130= (NM_001318797.3); c.238G>A, p.Glu80Lys (NM_001318802.2); short protein forms E80K.
Identifiers: ClinVar variation 3049635 (VCV003049635.2), dbSNP rs184745241, ClinGen allele CA8216694.

ClinVar aggregate classification (germline): Benign (0 of 4 stars; one submission).

Conditions:
COX4I1-related disorder. Also called: COX4I1-related condition.

Allele frequency attached by ClinVar (database versions not stated): gnomAD exomes 0.00035; gnomAD 0.00040; TOPMed 0.00048; ExAC 0.00085; 1000 Genomes Project 30x 0.00297; 1000 Genomes Project 0.00300.

Submission:

PreventionGenetics, part of Exact Sciences
Classification: Benign for COX4I1-related condition. Last evaluated: 2019-07-23. Review status: no assertion criteria provided. Collection method: clinical testing. Allele origin: germline.
Comment: This variant is classified as benign based on ACMG/AMP sequence variant interpretation guidelines (Richards et al. 2015 PMID: 25741868, with internal and published modifications).